The following is an entry in ClinVar:

NM_000535.7(PMS2):c.1729A>C (p.Lys577Gln)

Gene: PMS2 (PMS1 homolog 2, mismatch repair system component; minus strand). Cytogenetic location: 7p22.1.
Variant type: single nucleotide variant.
Coding change: c.1729A>C on transcript NM_000535.7 (MANE Select); coding-DNA position 1729, A replaced by C.
Protein change: p.Lys577Gln; replaces lysine 577 with glutamine.
Molecular consequence: missense variant. On other transcripts: non-coding transcript variant (1).
Genome position (GRCh38, 1-based): chr7:5,987,036, T>G on the plus strand (A>C on the coding strand, the complement: PMS2 is on the minus strand). VCF-style: chr7-5987036-T-G. GRCh37 (hg19) VCF-style: chr7-6026667-T-G.
Other names: c.1324A>C, p.Lys442Gln (NM_001322003.2, NM_001322004.2, NM_001322005.2 and 1 more transcripts); c.1573A>C, p.Lys525Gln (NM_001322006.2); c.1411A>C, p.Lys471Gln (NM_001322007.2, NM_001322008.2); c.1168A>C, p.Lys390Gln (NM_001322010.2); c.796A>C, p.Lys266Gln (NM_001322011.2, NM_001322012.2); c.1156A>C, p.Lys386Gln (NM_001322013.2); c.1729A>C, p.Lys577Gln (NM_001322014.2); c.1420A>C, p.Lys474Gln (NM_001322015.2); short protein forms K577Q, K474Q, K390Q, K442Q, K471Q, K525Q, K266Q, K386Q.
Identifiers: ClinVar variation 231764 (VCV000231764.18), dbSNP rs754339271, ClinGen allele CA10578663.

ClinVar aggregate classification (germline): Uncertain significance. Review status: criteria provided, multiple submitters, no conflicts (2 of 4 stars). 4 submissions from 4 submitters: Uncertain significance (4). Last evaluated 2024-04-17.

Conditions:
Hereditary nonpolyposis colorectal neoplasms. Identifiers: MedGen C0009405, MeSH D003123.
Lynch syndrome. Identifiers: Orphanet 144, MedGen C4552100, MONDO:0005835. Disease mechanism: loss of function.
Hereditary cancer-predisposing syndrome. Also called: Neoplastic Syndromes, Hereditary; Tumor predisposition; Hereditary Cancer Syndrome; Hereditary neoplastic syndrome. Identifiers: Orphanet 140162, MedGen C0027672, MeSH D009386, MONDO:0015356.

Allele frequency attached by ClinVar (database versions not stated): gnomAD 0.00001.
gnomAD v4.1: 1 of 1,614,056 alleles (0.000062%); highest among the groups gnomAD compares: African/African-American, 0.0013%; no homozygotes.

Submissions (4):

Ambry Genetics
Classification: Uncertain significance for Hereditary cancer-predisposing syndrome. Last evaluated: 2024-04-17. Review status: criteria provided, single submitter. Criteria: Ambry Variant Classification Scheme 2023. Collection method: clinical testing. Allele origin: germline.
Comment: The p.K577Q variant (also known as c.1729A>C), located in coding exon 11 of the PMS2 gene, results from an A to C substitution at nucleotide position 1729. The lysine at codon 577 is replaced by glutamine, an amino acid with similar properties. This amino acid position is well conserved in available vertebrate species. In addition, this alteration is predicted to be tolerated by in silico analysis. Since supporting evidence is limited at this time, the clinical significance of this alteration remains unclear.

All of Us Research Program, National Institutes of Health
Classification: Uncertain significance for Lynch syndrome. Last evaluated: 2024-02-22. Review status: criteria provided, single submitter. Criteria: ACMG Guidelines, 2015. Collection method: clinical testing. Allele origin: germline. Inheritance: Autosomal dominant inheritance. Observed: 1 variant allele, 1 heterozygote.
Comment: This missense variant replaces lysine with glutamine at codon 577 of the PMS2 protein. Computational prediction suggests that this variant may not impact protein structure and function (internally defined REVEL score threshold <= 0.5, PMID: 27666373). To our knowledge, functional studies have not been reported for this variant. This variant has not been reported in individuals affected with PMS2-related disorders in the literature. This variant has not been identified in the general population by the Genome Aggregation Database (gnomAD). The available evidence is insufficient to determine the role of this variant in disease conclusively. Therefore, this variant is classified as a Variant of Uncertain Significance.

This study involves interpretation of variants in research participants for the purpose of population health screening. Participant phenotype was not available at the time of variant classification. Additional details can be found in publication PMID: 35346344, PMCID: PMC8962531

Color Diagnostics, LLC DBA Color Health
Classification: Uncertain significance for Hereditary cancer-predisposing syndrome. Last evaluated: 2024-01-30. Review status: criteria provided, single submitter. Criteria: ACMG Guidelines, 2015. Collection method: clinical testing. Allele origin: germline.
Comment: This missense variant replaces lysine with glutamine at codon 577 of the PMS2 protein. Computational prediction suggests that this variant may not impact protein structure and function (internally defined REVEL score threshold <= 0.5, PMID: 27666373). To our knowledge, functional studies have not been reported for this variant. This variant has not been reported in individuals affected with PMS2-related disorders in the literature. This variant has not been identified in the general population by the Genome Aggregation Database (gnomAD). The available evidence is insufficient to determine the role of this variant in disease conclusively. Therefore, this variant is classified as a Variant of Uncertain Significance.

Labcorp Genetics (formerly Invitae), Labcorp
Classification: Uncertain significance for Hereditary nonpolyposis colorectal neoplasms. Last evaluated: 2023-09-20. Review status: criteria provided, single submitter. Criteria: Invitae Variant Classification Sherloc (09022015). Collection method: clinical testing. Allele origin: germline.
Comment: In summary, the available evidence is currently insufficient to determine the role of this variant in disease. Therefore, it has been classified as a Variant of Uncertain Significance. Advanced modeling of protein sequence and biophysical properties (such as structural, functional, and spatial information, amino acid conservation, physicochemical variation, residue mobility, and thermodynamic stability) performed at Invitae indicates that this missense variant is not expected to disrupt PMS2 protein function. ClinVar contains an entry for this variant (Variation ID: 231764). This variant has not been reported in the literature in individuals affected with PMS2-related conditions. This variant is not present in population databases (gnomAD no frequency). This sequence change replaces lysine, which is basic and polar, with glutamine, which is neutral and polar, at codon 577 of the PMS2 protein (p.Lys577Gln).